The following is an entry in ClinVar:

ClinVar aggregate classification (germline): Pathogenic. Review status: criteria provided, multiple submitters, no conflicts (2 of 4 stars). 2 submissions from 2 submitters: Pathogenic (2). Last evaluated 2022-06-14.

Conditions:
Cardiomyopathy (CMYO). Also called: Cardiomyopathies. Identifiers: Orphanet 167848, MedGen C0878544, MONDO:0004994, HP:0001638. Inheritance: Various modes of inheritance.
Ventricular fibrillation. Identifiers: MedGen C0042510, MONDO:0000190, HP:0001663.
Bicuspid aortic valve. Identifiers: MedGen C0149630, HP:0001647.
Cardiac arrhythmia. Also called: Arrhythmia; Cardiac rhythm disease. Identifiers: MedGen C0003811, MONDO:0007263, HP:0011675.
Sudden cardiac death (SCD). Also called: Sudden adult death syndrome. Identifiers: MedGen C0085298, MeSH D016757, HP:0001645.
Dilatation of aorta. Also called: Aortic dilatation. Identifiers: MedGen C0265004.

Submissions (2):

Color Diagnostics, LLC DBA Color Health
Classification: Pathogenic for Cardiomyopathy. Last evaluated: 2022-06-14. Review status: criteria provided, single submitter. Criteria: ACMG Guidelines, 2015. Collection method: clinical testing. Allele origin: germline.
Comment: This variant changes 1 nucleotide in exon 18 of the DSP gene, creating a premature translation stop signal. This variant is expected to result in an absent or non-functional protein product. To our knowledge, this variant has not been reported in individuals affected with cardiovascular disorders in the literature. This variant has not been identified in the general population by the Genome Aggregation Database (gnomAD). Loss of DSP function is a known mechanism of disease. Based on the available evidence, this variant is classified as Pathogenic.

Centre for Mendelian Genomics, University Medical Centre Ljubljana
Classification: Pathogenic for Aortic aneurysm; Cardiac arrhythmia; Bicuspid aortic valve; Sudden cardiac death; Ventricular fibrillation. Last evaluated: 2014-06-10. Review status: criteria provided, single submitter. Criteria: ACMG Guidelines, 2015. Collection method: clinical testing. Allele origin: unknown. Affected: yes.

NM_004415.4(DSP):c.2528C>A (p.Ser843Ter)

Gene: DSP (desmoplakin; plus strand). Cytogenetic location: 6p24.3.
Variant type: single nucleotide variant.
Coding change: c.2528C>A on transcript NM_004415.4 (MANE Select); coding-DNA position 2528, C replaced by A.
Protein change: p.Ser843Ter; replaces serine 843 with a stop codon.
Molecular consequence: nonsense.
Genome position (GRCh38, 1-based): chr6:7,575,386, C>A. VCF-style: chr6-7575386-C-A. GRCh37 (hg19) VCF-style: chr6-7575619-C-A.
Other names: c.2528C>A (LRG_423t1); c.2528C>A, p.Ser843Ter (NM_001008844.3, NM_001319034.2); short protein forms S843*.
Identifiers: ClinVar variation 374137 (VCV000374137.4), dbSNP rs1057518920, ClinGen allele CA16043421.